The following is an entry in ClinVar:

ClinVar aggregate classification (germline): Uncertain significance. Review status: criteria provided, multiple submitters, no conflicts (2 of 4 stars). 2 submissions from 2 submitters: Uncertain significance (2). Last evaluated 2026-10-08.

Conditions:
Seizures, benign familial infantile, 3 (BFIS3). Also called: CONVULSIONS, BENIGN FAMILIAL INFANTILE, 3; Familial neonatal seizures. Identifiers: Orphanet 140927, Orphanet 306, MedGen C1843140, MONDO:0011904, OMIM 607745.
Developmental and epileptic encephalopathy, 11 (DEE11). Also called: Early infantile epileptic encephalopathy 11. Identifiers: Orphanet 1934, MedGen C3150987, MONDO:0013388, OMIM 613721.

Submissions (2):

GeneDx
Classification: Uncertain significance. Last evaluated: 2026-10-08. Review status: criteria provided, single submitter. Criteria: GeneDx Variant Classification Process June 2021. Collection method: clinical testing. Allele origin: germline.
Comment: Not observed at significant frequency in large population cohorts (gnomAD); In silico analysis suggests that this missense variant does not alter protein structure/function; Has not been previously reported in peer-reviewed literature as pathogenic or benign to our knowledge. However, in an abstract by Heron et al. (2007), this variant was reported in three individuals from the same family, two of which had benign familial neonatal-infantile seizures; This substitution is predicted to be within the transmembrane segment S1 of the second homologous domain

Labcorp Genetics (formerly Invitae), Labcorp
Classification: Uncertain significance for Seizures, benign familial infantile, 3; Developmental and epileptic encephalopathy, 11. Last evaluated: 2022-10-05. Review status: criteria provided, single submitter. Criteria: Invitae Variant Classification Sherloc (09022015). Collection method: clinical testing. Allele origin: germline.
Comment: This sequence change replaces valine, which is neutral and non-polar, with leucine, which is neutral and non-polar, at codon 761 of the SCN2A protein (p.Val761Leu). This variant is not present in population databases (gnomAD no frequency). This variant has not been reported in the literature in individuals affected with SCN2A-related conditions. ClinVar contains an entry for this variant (Variation ID: 1188028). Advanced modeling of protein sequence and biophysical properties (such as structural, functional, and spatial information, amino acid conservation, physicochemical variation, residue mobility, and thermodynamic stability) performed at Invitae indicates that this missense variant is expected to disrupt SCN2A protein function. In summary, the available evidence is currently insufficient to determine the role of this variant in disease. Therefore, it has been classified as a Variant of Uncertain Significance.

NM_001040142.2(SCN2A):c.2281G>C (p.Val761Leu)

Gene: SCN2A (sodium voltage-gated channel alpha subunit 2; plus strand). Cytogenetic location: 2q24.3.
Variant type: single nucleotide variant.
Coding change: c.2281G>C on transcript NM_001040142.2 (MANE Select); coding-DNA position 2281, G replaced by C.
Protein change: p.Val761Leu; replaces valine 761 with leucine.
Molecular consequence: missense variant.
Genome position (GRCh38, 1-based): chr2:165,331,461, G>C. VCF-style: chr2-165331461-G-C. GRCh37 (hg19) VCF-style: chr2-166187971-G-C.
Other names: c.2281G>C, p.Val761Leu (NM_001040143.2, NM_001371246.1, NM_001371247.1 and 1 more transcripts); short protein forms V761L.
Identifiers: ClinVar variation 1188028 (VCV001188028.8), dbSNP rs2105293473, ClinGen allele CA349031128.